The following is an entry in ClinVar:

ClinVar aggregate classification (germline): Uncertain significance (1 of 4 stars; one submission).

Conditions:
Amyotrophic lateral sclerosis type 15. Also called: AMYOTROPHIC LATERAL SCLEROSIS 15 WITH FRONTOTEMPORAL DEMENTIA. Identifiers: Orphanet 803, MedGen C3275459, MONDO:0010459, OMIM 300857.

Submission:

Labcorp Genetics (formerly Invitae), Labcorp
Classification: Uncertain significance for Amyotrophic lateral sclerosis type 15. Last evaluated: 2025-07-15. Review status: criteria provided, single submitter. Criteria: Invitae Variant Classification Sherloc (09022015). Collection method: clinical testing. Allele origin: germline.
Comment: This sequence change affects codon 235 of the UBQLN2 mRNA. It is a 'silent' change, meaning that it does not change the encoded amino acid sequence of the UBQLN2 protein. This variant is not present in population databases (gnomAD no frequency). This variant has not been reported in the literature in individuals affected with UBQLN2-related conditions. In summary, the available evidence is currently insufficient to determine the role of this variant in disease. Therefore, it has been classified as a Variant of Uncertain Significance.

NM_013444.4(UBQLN2):c.705C>T (p.Leu235=)

Genes: UBQLN2 (ubiquilin 2; plus strand), LOC130068340 (ATAC-STARR-seq lymphoblastoid active region 29688; plus strand). Cytogenetic location: Xp11.21.
Variant type: single nucleotide variant.
Coding change: c.705C>T on transcript NM_013444.4 (MANE Select); coding-DNA position 705, C replaced by T.
Protein change: p.Leu235=; no amino-acid change (leucine 235 retained).
Molecular consequence: synonymous variant.
Genome position (GRCh38, 1-based): chrX:56,564,578, C>T. VCF-style: chrX-56564578-C-T. GRCh37 (hg19) VCF-style: chrX-56591011-C-T.
Identifiers: ClinVar variation 4753367 (VCV004753367.1).